The following is an entry in ClinVar:

ClinVar aggregate classification (germline): Likely benign. Review status: criteria provided, multiple submitters, no conflicts (2 of 4 stars). 3 submissions from 3 submitters: Likely benign (3). Last evaluated 2025-05-06.

Conditions:
Frasier syndrome. Identifiers: Orphanet 347, MedGen C0950122, MeSH D052159, MONDO:0007635, OMIM 136680.
Drash syndrome (DDS). Also called: WILMS TUMOR AND PSEUDO- OR TRUE HERMAPHRODITISM; NEPHROPATHY, WILMS TUMOR, AND GENITAL ANOMALIES. Identifiers: Orphanet 220, MedGen C0950121, MONDO:0008682, OMIM 194080.
Wilms tumor 1 (WT1). Also called: Wilms tumor, somatic. Identifiers: Orphanet 654, MedGen CN033288, MONDO:0008679, OMIM 194070.
11p partial monosomy syndrome (WAGR). Also called: WAGR Complex; WAGR Spectrum Disorder; WAGR syndrome; CHROMOSOME 11p13 DELETION SYNDROME. Identifiers: Orphanet 893, MedGen C0206115, MONDO:0008681, OMIM 194072.
Inborn genetic diseases. Identifiers: MedGen C0950123, MeSH D030342.

Allele frequency attached by ClinVar (database versions not stated): gnomAD exomes below 0.00001.
gnomAD v4.1: 4 of 1,496,604 alleles (0.00027%); highest among the groups gnomAD compares: Admixed American, 0.0023%; no homozygotes.

Submissions (3):

Labcorp Genetics (formerly Invitae), Labcorp
Classification: Likely benign for Wilms tumor 1; Drash syndrome; 11p partial monosomy syndrome; Frasier syndrome. Last evaluated: 2025-05-06. Review status: criteria provided, single submitter. Criteria: Invitae Variant Classification Sherloc (09022015). Collection method: clinical testing. Allele origin: germline.

Ambry Genetics
Classification: Likely benign for Inborn genetic diseases. Last evaluated: 2025-01-06. Review status: criteria provided, single submitter. Criteria: Ambry Variant Classification Scheme 2023. Collection method: clinical testing. Allele origin: germline.

All of Us Research Program, National Institutes of Health
Classification: Likely benign for Wilms tumor 1. Last evaluated: 2023-10-02. Review status: criteria provided, single submitter. Criteria: ACMG Guidelines, 2015. Collection method: clinical testing. Allele origin: germline. Inheritance: Autosomal dominant inheritance. Observed: 1 variant allele, 1 heterozygote.
Comment: This study involves interpretation of variants in research participants for the purpose of population health screening. Participant phenotype was not available at the time of variant classification. Additional details can be found in publication PMID: 35346344, PMCID: PMC8962531

NM_024426.6(WT1):c.363C>T (p.Tyr121=)

Genes: WT1 (WT1 transcription factor; minus strand), LOC107982234 (WT1/WT1-AS bi-directional promoter region; plus strand). Cytogenetic location: 11p13.
Variant type: single nucleotide variant.
Coding change: c.363C>T on transcript NM_024426.6 (MANE Select); coding-DNA position 363, C replaced by T.
Protein change: p.Tyr121=; no amino-acid change (tyrosine 121 retained).
Molecular consequence: synonymous variant. On other transcripts: non-coding transcript variant (1).
Genome position (GRCh38, 1-based): chr11:32,434,998, G>A on the plus strand (C>T on the coding strand, the complement: WT1 is on the minus strand). VCF-style: chr11-32434998-G-A. GRCh37 (hg19) VCF-style: chr11-32456544-G-A.
Other names: c.363C>T, p.Tyr121= (NM_000378.6, NM_024424.5); c.348C>T (NM_024426.4).
Identifiers: ClinVar variation 1481650 (VCV001481650.10), dbSNP rs977632626, ClinGen allele CA219511101.